The following is an entry in ClinVar:

ClinVar aggregate classification (germline): Uncertain significance (1 of 4 stars; one submission).

Conditions:
Hereditary cancer-predisposing syndrome. Also called: Hereditary neoplastic syndrome; Hereditary Cancer Syndrome; Neoplastic Syndromes, Hereditary; Tumor predisposition. Identifiers: Orphanet 140162, MedGen C0027672, MeSH D009386, MONDO:0015356.

gnomAD v4.1: 4 of 1,601,408 alleles (0.00025%); highest among the groups gnomAD compares: South Asian, 0.0023%; no homozygotes.

Submission:

Ambry Genetics
Classification: Uncertain significance for Hereditary cancer-predisposing syndrome. Last evaluated: 2023-05-01. Review status: criteria provided, single submitter. Criteria: Ambry Variant Classification Scheme 2023. Collection method: clinical testing. Allele origin: germline.
Comment: The p.F1416L variant (also known as c.4248C>G), located in coding exon 29 of the SMARCA4 gene, results from a C to G substitution at nucleotide position 4248. The phenylalanine at codon 1416 is replaced by leucine, an amino acid with highly similar properties. This amino acid position is not well conserved in available vertebrate species. In addition, this alteration is predicted to be tolerated by in silico analysis. Missense and in-frame variants in SMARCA4 are known to cause neurodevelopmental disorders; however, such associations with rhabdoid tumor predisposition syndrome including small cell carcinoma of the ovary-hypercalcemic type (SCCOHT) are exceedingly rare (Kosho T et al. Am J Med Genet C Semin Med Genet. 2014 Sep;166C(3):262-75; Jelinic P et al. Nat Genet. 2014 May;46(5):424-6). Based on the supporting evidence, the association of this alteration with Coffin-Siris syndrome is unknown; however, the association of this alteration with rhabdoid tumor predisposition syndrome is unlikely.

NM_001387283.1(SMARCA4):c.4248C>G (p.Phe1416Leu)

Gene: SMARCA4 (SWI/SNF related BAF chromatin remodeling complex subunit ATPase 4; plus strand). Cytogenetic location: 19p13.2.
Variant type: single nucleotide variant.
Coding change: c.4248C>G on transcript NM_001387283.1 (MANE Plus Clinical); coding-DNA position 4248, C replaced by G.
Protein change: p.Phe1416Leu; replaces phenylalanine 1416 with leucine.
Molecular consequence: missense variant. On other transcripts: intron variant (7).
Genome position (GRCh38, 1-based): chr19:11,039,535, C>G. VCF-style: chr19-11039535-C-G. GRCh37 (hg19) VCF-style: chr19-11150211-C-G.
Other names: c.4248C>G, p.Phe1416Leu (NM_001128849.3); c.4149C>G, p.Phe1383Leu (NM_001411150.1); c.4171-1772C>G (NM_001128844.3, NM_003072.5); c.4072-1772C>G (NM_001128847.4, NM_001374457.1, NM_001128848.2); c.4072-1763C>G (NM_001128845.2, NM_001128846.2); short protein forms F1416L, F1383L.
Identifiers: ClinVar variation 2567147 (VCV002567147.2), dbSNP rs1412738014, ClinGen allele CA404071760.
Genomic context (GRCh38, chr19:11,039,535, plus strand): 5'-TATCCATGACACAGCCAGCAGTGTGGCACGTGGGCTACAATTCCAGCGTGGCCTTCAGTT[C>G]TGCACACGTGCGTCAAAGGTGGGGAGAGTTCTGGTGGTGGGTGGCGCTGAGGGCTGCACA-3'
Protein context (NP_001374212.1, residues 1406-1426): RGLQFQRGLQ[Phe1416Leu]CTRASKAIEE